The following is an entry in ClinVar:

ClinVar aggregate classification (germline): Uncertain significance (1 of 4 stars; one submission).

Conditions:
Charcot-Marie-Tooth disease type 4. Also called: Charcot-Marie-Tooth, Type 4; Charcot-Marie-Tooth disease, type IV. Identifiers: Orphanet 64749, MedGen C4082197, MONDO:0018995.

Allele frequency attached by ClinVar (database versions not stated): gnomAD 0.00001; gnomAD exomes 0.00001; TOPMed 0.00001.
gnomAD v4.1: 8 of 1,606,674 alleles (0.0005%); highest among the groups gnomAD compares: Non-Finnish European, 0.00068%; no homozygotes.

Submission:

Labcorp Genetics (formerly Invitae), Labcorp
Classification: Uncertain significance for Charcot-Marie-Tooth disease type 4. Last evaluated: 2022-06-03. Review status: criteria provided, single submitter. Criteria: Invitae Variant Classification Sherloc (09022015). Collection method: clinical testing. Allele origin: germline.
Comment: This sequence change replaces valine, which is neutral and non-polar, with alanine, which is neutral and non-polar, at codon 21 of the PRX protein (p.Val21Ala). This variant is not present in population databases (gnomAD no frequency). This variant has not been reported in the literature in individuals affected with PRX-related conditions. ClinVar contains an entry for this variant (Variation ID: 543312). Algorithms developed to predict the effect of missense changes on protein structure and function (SIFT, PolyPhen-2, Align-GVGD) all suggest that this variant is likely to be tolerated. In summary, the available evidence is currently insufficient to determine the role of this variant in disease. Therefore, it has been classified as a Variant of Uncertain Significance.

NM_181882.3(PRX):c.62T>C (p.Val21Ala)

Genes: PRX (periaxin; minus strand), LOC130064454 (ATAC-STARR-seq lymphoblastoid active region 14650; plus strand). Cytogenetic location: 19q13.2.
Variant type: single nucleotide variant.
Coding change: c.62T>C on transcript NM_181882.3 (MANE Select); coding-DNA position 62, T replaced by C.
Protein change: p.Val21Ala; replaces valine 21 with alanine.
Molecular consequence: missense variant.
Genome position (GRCh38, 1-based): chr19:40,403,828, A>G on the plus strand (T>C on the coding strand, the complement: PRX is on the minus strand). VCF-style: chr19-40403828-A-G. GRCh37 (hg19) VCF-style: chr19-40909735-A-G.
Other names: c.62T>C, p.Val21Ala (NM_020956.2); short protein forms V21A.
Identifiers: ClinVar variation 543312 (VCV000543312.6), dbSNP rs1167676481, ClinGen allele CA405901942.